The following is an entry in ClinVar:

NM_002582.4(PARN):c.122C>G (p.Ser41Cys)

Gene: PARN (poly(A)-specific ribonuclease; minus strand). Cytogenetic location: 16p13.12.
Variant type: single nucleotide variant.
Coding change: c.122C>G on transcript NM_002582.4 (MANE Select); coding-DNA position 122, C replaced by G.
Protein change: p.Ser41Cys; replaces serine 41 with cysteine.
Molecular consequence: missense variant. On other transcripts: 5 prime UTR variant (1).
Genome position (GRCh38, 1-based): chr16:14,628,227, G>C on the plus strand (C>G on the coding strand, the complement: PARN is on the minus strand). VCF-style: chr16-14628227-G-C. GRCh37 (hg19) VCF-style: chr16-14722084-G-C.
Other names: c.-62C>G (NM_001134477.3); c.122C>G, p.Ser41Cys (NM_001242992.2); short protein forms S41C.
Identifiers: ClinVar variation 3752401 (VCV003752401.2).

ClinVar aggregate classification (germline): Uncertain significance (1 of 4 stars; one submission).

Conditions:
Dyskeratosis congenita, autosomal recessive 6 (DKCB6). Identifiers: MedGen C4225356, MONDO:0014600, OMIM 616353.
Pulmonary fibrosis and/or bone marrow failure, Telomere-related, 4. Also called: PULMONARY FIBROSIS AND/OR BONE MARROW FAILURE SYNDROME, TELOMERE-RELATED, 4. Identifiers: Orphanet 2032, MedGen C4225347, MONDO:0014612, OMIM 616371.

gnomAD v4.1: 2 of 1,604,412 alleles (0.00012%); highest among the groups gnomAD compares: Non-Finnish European, 0.00017%; no homozygotes.

Submission:

Labcorp Genetics (formerly Invitae), Labcorp
Classification: Uncertain significance for Dyskeratosis congenita, autosomal recessive 6; Pulmonary fibrosis and/or bone marrow failure, Telomere-related, 4. Last evaluated: 2025-10-25. Review status: criteria provided, single submitter. Criteria: Invitae Variant Classification Sherloc (09022015). Collection method: clinical testing. Allele origin: germline.
Comment: This sequence change replaces serine, which is neutral and polar, with cysteine, which is neutral and slightly polar, at codon 41 of the PARN protein (p.Ser41Cys). The frequency data for this variant in the population databases is considered unreliable, as metrics indicate poor data quality at this position in the gnomAD database. This variant has not been reported in the literature in individuals affected with PARN-related conditions. ClinVar contains an entry for this variant (Variation ID: 3752401). An algorithm developed to predict the effect of missense changes on protein structure and function (PolyPhen-2) suggests that this variant is likely to be disruptive. In summary, the available evidence is currently insufficient to determine the role of this variant in disease. Therefore, it has been classified as a Variant of Uncertain Significance.